The following is an entry in ClinVar:

NM_033641.4(COL4A6):c.2733T>C (p.Gly911=)

Gene: COL4A6 (collagen type IV alpha 6 chain; minus strand). Cytogenetic location: Xq22.3.
Variant type: single nucleotide variant.
Coding change: c.2733T>C on transcript NM_033641.4 (MANE Select); coding-DNA position 2733, T replaced by C.
Protein change: p.Gly911=; no amino-acid change (glycine 911 retained).
Molecular consequence: synonymous variant.
Genome position (GRCh38, 1-based): chrX:108,175,751, A>G on the plus strand (T>C on the coding strand, the complement: COL4A6 is on the minus strand). VCF-style: chrX-108175751-A-G. GRCh37 (hg19) VCF-style: chrX-107418981-A-G.
Other names: c.2784T>C, p.Gly928= (NM_001287758.2); c.2733T>C, p.Gly911= (NM_001287759.2, NM_001287760.2); c.2736T>C, p.Gly912= (NM_001847.4).
Identifiers: ClinVar variation 2661164 (VCV002661164.24), dbSNP rs1602730141, ClinGen allele CA517938051.

ClinVar aggregate classification (germline): Likely benign (1 of 4 stars; one submission).

Submission:

CeGaT Center for Human Genetics Tuebingen
Classification: Likely benign. Last evaluated: 2023-05-01. Review status: criteria provided, single submitter. Criteria: CeGaT Center For Human Genetics Tuebingen Variant Classification Criteria Version 2. Collection method: clinical testing. Allele origin: germline. Affected: yes. Observed: 1 variant allele.
Comment: COL4A6: PM2:Supporting, BP4, BP7